The following is an entry in ClinVar:

ClinVar aggregate classification (germline): Uncertain significance (0 of 4 stars; one submission).

Conditions:
PFN1-related disorder. Also called: PFN1-related condition.

Submission:

PreventionGenetics, part of Exact Sciences
Classification: Uncertain significance for PFN1-related condition. Last evaluated: 2024-07-26. Review status: no assertion criteria provided. Collection method: clinical testing. Allele origin: germline.
Comment: The PFN1 c.97G>A variant is predicted to result in the amino acid substitution p.Ala33Thr. To our knowledge, this variant has not been reported in the literature or in a large population database, indicating this variant is rare. At this time, the clinical significance of this variant is uncertain due to the absence of conclusive functional and genetic evidence.

NM_005022.4(PFN1):c.97G>A (p.Ala33Thr)

Gene: PFN1 (profilin 1; minus strand). Cytogenetic location: 17p13.2.
Variant type: single nucleotide variant.
Coding change: c.97G>A on transcript NM_005022.4 (MANE Select); coding-DNA position 97, G replaced by A.
Protein change: p.Ala33Thr; replaces alanine 33 with threonine.
Molecular consequence: missense variant.
Genome position (GRCh38, 1-based): chr17:4,948,298, C>T on the plus strand (G>A on the coding strand, the complement: PFN1 is on the minus strand). VCF-style: chr17-4948298-C-T. GRCh37 (hg19) VCF-style: chr17-4851593-C-T.
Other names: c.97G>A, p.Ala33Thr (NM_001375991.1); short protein forms A33T.
Identifiers: ClinVar variation 3345135 (VCV003345135.1).